The following is an entry in ClinVar:

NM_032444.4(SLX4):c.1888G>A (p.Gly630Ser)

Gene: SLX4 (SLX4 structure-specific endonuclease subunit; minus strand). Cytogenetic location: 16p13.3.
Variant type: single nucleotide variant.
Coding change: c.1888G>A on transcript NM_032444.4 (MANE Select); coding-DNA position 1888, G replaced by A.
Protein change: p.Gly630Ser; replaces glycine 630 with serine.
Molecular consequence: missense variant.
Genome position (GRCh38, 1-based): chr16:3,596,189, C>T on the plus strand (G>A on the coding strand, the complement: SLX4 is on the minus strand). VCF-style: chr16-3596189-C-T. GRCh37 (hg19) VCF-style: chr16-3646190-C-T.
Other names: c.1888G>A (NM_032444.3); short protein forms G630S.
Identifiers: ClinVar variation 1061829 (VCV001061829.9), dbSNP rs376620029, ClinGen allele CA7866389.

ClinVar aggregate classification (germline): Uncertain significance. Review status: criteria provided, multiple submitters, no conflicts (2 of 4 stars). 3 submissions from 3 submitters: Uncertain significance (2). 1 of the submissions does not count toward it. Last evaluated 2024-04-22.

Conditions:
Fanconi anemia complementation group P. Also called: SLX4-Related Fanconi Anemia. Identifiers: Orphanet 84, MedGen C3469542, MONDO:0013499, OMIM 613951.
Fanconi anemia (FA). Also called: Fanconi's anemia. Identifiers: Orphanet 84, MedGen C0015625, MeSH D005199, MONDO:0019391.
SLX4-related disorder. Also called: SLX4-related condition.

Allele frequency attached by ClinVar (database versions not stated): gnomAD exomes 0.00002 and 0.00003; gnomAD 0.00003 and 0.00004; TOPMed 0.00005; ESP Exome Variant Server 0.00008.
gnomAD v4.1: 31 of 1,550,824 alleles (0.002%); highest among the groups gnomAD compares: Admixed American, 0.0038%; no homozygotes.

Submissions (3):

Fulgent Genetics
Classification: Uncertain significance for Fanconi anemia complementation group P. Last evaluated: 2024-04-22. Review status: criteria provided, single submitter. Criteria: ACMG Guidelines, 2015. Collection method: clinical testing. Allele origin: germline.

Labcorp Genetics (formerly Invitae), Labcorp
Classification: Uncertain significance for Fanconi anemia. Last evaluated: 2023-09-06. Review status: criteria provided, single submitter. Criteria: Invitae Variant Classification Sherloc (09022015). Collection method: clinical testing. Allele origin: germline.
Comment: Algorithms developed to predict the effect of missense changes on protein structure and function output the following: SIFT: "Not Available"; PolyPhen-2: "Benign"; Align-GVGD: "Not Available". The serine amino acid residue is found in multiple mammalian species, which suggests that this missense change does not adversely affect protein function. ClinVar contains an entry for this variant (Variation ID: 1061829). This variant has not been reported in the literature in individuals affected with SLX4-related conditions. The frequency data for this variant in the population databases is considered unreliable, as metrics indicate poor data quality at this position in the gnomAD database. This sequence change replaces glycine, which is neutral and non-polar, with serine, which is neutral and polar, at codon 630 of the SLX4 protein (p.Gly630Ser). In summary, the available evidence is currently insufficient to determine the role of this variant in disease. Therefore, it has been classified as a Variant of Uncertain Significance.

PreventionGenetics, part of Exact Sciences
Classification: Uncertain significance for SLX4-related condition. Last evaluated: 2024-09-20. Review status: no assertion criteria provided. Collection method: clinical testing. Allele origin: germline. Not counted in ClinVar's aggregate classification.
Comment: The SLX4 c.1888G>A variant is predicted to result in the amino acid substitution p.Gly630Ser. To our knowledge, this variant has not been reported in the literature. This variant is reported in 0.0051% of alleles in individuals of European (Non-Finnish) descent in gnomAD. At this time, the clinical significance of this variant is uncertain due to the absence of conclusive functional and genetic evidence.